The following is an entry in ClinVar:

NM_152703.5(SAMD9L):c.974T>G (p.Met325Arg)

Gene: SAMD9L (sterile alpha motif domain containing 9 like; minus strand). Cytogenetic location: 7q21.2.
Variant type: single nucleotide variant.
Coding change: c.974T>G on transcript NM_152703.5 (MANE Select); coding-DNA position 974, T replaced by G.
Protein change: p.Met325Arg; replaces methionine 325 with arginine.
Molecular consequence: missense variant.
Genome position (GRCh38, 1-based): chr7:93,134,998, A>C on the plus strand (T>G on the coding strand, the complement: SAMD9L is on the minus strand). VCF-style: chr7-93134998-A-C. GRCh37 (hg19) VCF-style: chr7-92764311-A-C.
Other names: c.974T>G, p.Met325Arg (NM_001303496.3, NM_001303497.3, NM_001303498.3 and 5 more transcripts); short protein forms M325R.
Identifiers: ClinVar variation 4630102 (VCV004630102.1).

ClinVar aggregate classification (germline): Uncertain significance (1 of 4 stars; one submission).

Conditions:
Inborn genetic diseases. Identifiers: MedGen C0950123, MeSH D030342.

Submission:

Ambry Genetics
Classification: Uncertain significance for Inborn genetic diseases. Last evaluated: 2025-11-09. Review status: criteria provided, single submitter. Criteria: Ambry Variant Classification Scheme 2023. Collection method: clinical testing. Allele origin: germline.
Comment: The p.M325R variant (also known as c.974T>G), located in coding exon 1 of the SAMD9L gene, results from a T to G substitution at nucleotide position 974. The methionine at codon 325 is replaced by arginine, an amino acid with similar properties. This amino acid position is conserved. In addition, this alteration is predicted to be tolerated by in silico analysis. Based on the available evidence, the clinical significance of this variant remains unclear.